The following is an entry in ClinVar:

NM_006012.4(CLPP):c.117G>A (p.Gln39=)

Gene: CLPP (caseinolytic mitochondrial matrix peptidase proteolytic subunit; plus strand). Cytogenetic location: 19p13.3.
Variant type: single nucleotide variant.
Coding change: c.117G>A on transcript NM_006012.4 (MANE Select); coding-DNA position 117, G replaced by A.
Protein change: p.Gln39=; no amino-acid change (glutamine 39 retained).
Molecular consequence: synonymous variant.
Genome position (GRCh38, 1-based): chr19:6,361,691, G>A. VCF-style: chr19-6361691-G-A. GRCh37 (hg19) VCF-style: chr19-6361702-G-A.
Other names: p.Gln39=.
Identifiers: ClinVar variation 1220396 (VCV001220396.16), dbSNP rs114453881, ClinGen allele CA9122780.

ClinVar aggregate classification (germline): Benign/Likely benign. Review status: criteria provided, multiple submitters, no conflicts (2 of 4 stars). 6 submissions from 6 submitters: Benign (1); Likely benign (4). 1 of the submissions does not count toward it. Last evaluated 2026-04-01.

Conditions:
CLPP-related disorder. Also called: CLPP-related condition.

Allele frequency attached by ClinVar (database versions not stated): gnomAD exomes 0.00019; ESP Exome Variant Server 0.00043; ExAC 0.00064; 1000 Genomes Project 0.00120; 1000 Genomes Project 30x 0.00156.
gnomAD v4.1: 265 of 1,494,302 alleles (0.018%); highest among the groups gnomAD compares: African/African-American, 0.32%; no homozygotes.

Submissions (6):

CeGaT Center for Human Genetics Tuebingen
Classification: Likely benign. Last evaluated: 2026-04-01. Review status: criteria provided, single submitter. Criteria: CeGaT Center For Human Genetics Tuebingen Variant Classification Criteria Version 2. Collection method: clinical testing. Allele origin: germline. Affected: yes. Observed: 1 variant allele.
Comment: CLPP: BP4, BP7

Labcorp Genetics (formerly Invitae), Labcorp
Classification: Benign. Last evaluated: 2025-12-21. Review status: criteria provided, single submitter. Criteria: Invitae Variant Classification Sherloc (09022015). Collection method: clinical testing. Allele origin: germline.

Mayo Clinic Laboratories, Mayo Clinic
Classification: Likely benign. Last evaluated: 2025-10-06. Review status: criteria provided, single submitter. Criteria: ACMG Guidelines, 2015. Collection method: clinical testing. Allele origin: germline. Observed: 1 variant allele.
Comment: BS1, BP4, BP7

Blueprint Genetics
Classification: Likely benign. Last evaluated: 2022-10-26. Review status: criteria provided, single submitter. Criteria: ACMG Guidelines, 2015. Collection method: clinical testing. Allele origin: germline.

GeneDx
Classification: Likely benign. Last evaluated: 2021-01-12. Review status: criteria provided, single submitter. Criteria: GeneDx Variant Classification Process June 2021. Collection method: clinical testing. Allele origin: germline. Affected: yes.

PreventionGenetics, part of Exact Sciences
Classification: Likely benign for CLPP-related condition. Last evaluated: 2024-05-24. Review status: no assertion criteria provided. Collection method: clinical testing. Allele origin: germline. Not counted in ClinVar's aggregate classification.
Comment: This variant is classified as likely benign based on ACMG/AMP sequence variant interpretation guidelines (Richards et al. 2015 PMID: 25741868, with internal and published modifications).